The following is an entry in ClinVar:

NM_004870.4(MPDU1):c.477del (p.Ser160fs)

Gene: MPDU1 (mannose-P-dolichol utilization defect 1; plus strand). Cytogenetic location: 17p13.1.
Variant type: Deletion.
Coding change: c.477del on transcript NM_004870.4 (MANE Select); coding-DNA position 477, one base deleted (C; older notation c.477delC).
Protein change: p.Ser160fs; shifts the reading frame from serine 160.
Molecular consequence: frameshift variant. On other transcripts: non-coding transcript variant (1), intron variant (1).
Genome position (GRCh38, 1-based): chr17:7,586,987, C deleted; the last of 2 consecutive C bases (chr17:7,586,986-7,586,987); deleting either gives the same sequence. VCF-style (leftmost placement, unchanged base first): chr17-7586985-GC-G. GRCh37 (hg19) VCF-style: chr17-7490303-GC-G.
Other names: c.449+149del (NM_001330073.1); short protein forms S160fs.
Identifiers: ClinVar variation 533016 (VCV000533016.3), dbSNP rs765585873, ClinGen allele CA8352958.
Genomic context (GRCh38, chr17:7,586,985, plus strand): 5'-CTGGTCCTGCTGGTGCTTCTCTCACCTCTGACGCCCTTGACTGTAGTCACCCTGCTCCAG[GC>G]CTCCAATGTGCCTGCTGTGGTGGTGGGGAGGGTGGGTACCAGGAGCAAGGGACAAGATGT-3'

ClinVar aggregate classification (germline): Uncertain significance (1 of 4 stars; one submission).

Conditions:
MPDU1-congenital disorder of glycosylation. Also called: CONGENITAL DISORDER OF GLYCOSYLATION, TYPE If; CDG If; MPDU1-CDG. Identifiers: Orphanet 79323, MedGen C1836669, MONDO:0012211, OMIM 609180.

Submission:

Labcorp Genetics (formerly Invitae), Labcorp
Classification: Uncertain significance for MPDU1-congenital disorder of glycosylation. Last evaluated: 2017-11-07. Review status: criteria provided, single submitter. Criteria: Invitae Variant Classification Sherloc (09022015). Collection method: clinical testing. Allele origin: germline.
Comment: This sequence change results in a premature translational stop signal in the MPDU1 gene (p.Ser160Profs*53). While this is not anticipated to result in nonsense mediated decay, it is expected to disrupt the last 88 amino acids of the MPDU1 protein. This variant is present in population databases (rs765585873, ExAC 0.01%). This variant has not been reported in the literature in individuals with MPDU1-related disease. A downstream truncating variant (c.511delC, p.Leu171Serfs*42) has been observed on the opposite chromosome (in trans) from another MPDU1 variant in an individual affected with congenital disorder of glycosylation type 1A (PMID: 11733564). In summary, the available evidence is currently insufficient to determine the role of this variant in disease. Therefore, it has been classified as a Variant of Uncertain Significance.

Literature cited by the submitters: PubMed 11733564.